The following is an entry in ClinVar:

ClinVar aggregate classification (germline): Pathogenic/Likely pathogenic. Review status: criteria provided, multiple submitters, no conflicts (2 of 4 stars). 4 submissions from 4 submitters: Pathogenic (3); Likely pathogenic (1). Last evaluated 2026-09-19.

Conditions:
ADGRV1-related disorder. Also called: ADGRV1-related condition; ADGRV1-related disorders.
Retinal disorder. Also called: Retinal disorders; Retinopathies; Retinal Diseases; Retinopathy. Identifiers: MedGen C0035309, MONDO:0005283, HP:0000488.

Allele frequency attached by ClinVar (database versions not stated): TOPMed below 0.00001; ExAC 0.00001; gnomAD 0.00001; gnomAD exomes 0.00001.

Submissions (4):

PreventionGenetics, part of Exact Sciences
Classification: Likely pathogenic for ADGRV1-related condition. Last evaluated: 2026-09-19. Review status: criteria provided, single submitter. Criteria: ACMG Guidelines, 2015. Collection method: clinical testing. Allele origin: germline.
Comment: The ADGRV1 c.8785delC variant is predicted to result in a frameshift and premature protein termination (p.Thr2930Profs*12). To our knowledge, this variant has not been reported in the literature in individuals with disease. This variant is present in 0.0016% of alleles in individuals of European (Non-Finnish) descent in gnomAD. Frameshift variants in ADGRV1 are an established mechanism of disease. This variant is interpreted as likely pathogenic.

Genetics Laboratory, Great Ormond Street Hospital NHS Foundation Trust, North Thames Genomic Laboratory Hub
Classification: Pathogenic for Retinal disorders. Last evaluated: 2026-07-05. Review status: criteria provided, single submitter. Criteria: ACGS Best Practice Guidelines for Variant Classification in Rare Disease 2024 v1.2. Collection method: clinical testing. Allele origin: germline. Affected: yes.
Comment: PM2_moderate, PVS1_very-strong, PM3_supporting

Labcorp Genetics (formerly Invitae), Labcorp
Classification: Pathogenic. Last evaluated: 2024-10-07. Review status: criteria provided, single submitter. Criteria: Invitae Variant Classification Sherloc (09022015). Collection method: clinical testing. Allele origin: germline.
Comment: This sequence change creates a premature translational stop signal (p.Thr2930Profs*12) in the ADGRV1 gene. It is expected to result in an absent or disrupted protein product. Loss-of-function variants in ADGRV1 are known to be pathogenic (PMID: 19357117, 22135276, 22147658, 26226137, 30718709, 31047384, 32467589). This variant is present in population databases (rs758738191, gnomAD 0.002%). This variant has not been reported in the literature in individuals affected with ADGRV1-related conditions. ClinVar contains an entry for this variant (Variation ID: 1930441). For these reasons, this variant has been classified as Pathogenic.

Blueprint Genetics
Classification: Pathogenic for ADGRV1-related disorders. Last evaluated: 2023-03-16. Review status: criteria provided, single submitter. Criteria: ACMG Guidelines, 2015. Collection method: clinical testing. Allele origin: germline. Affected: yes. Observed: 5 variant alleles.

Literature cited by the submitters: PubMed 19357117 (cited by Labcorp Genetics (formerly Invitae), Labcorp); PubMed 22135276 (cited by Labcorp Genetics (formerly Invitae), Labcorp); PubMed 22147658 (cited by Labcorp Genetics (formerly Invitae), Labcorp); PubMed 26226137 (cited by Labcorp Genetics (formerly Invitae), Labcorp); PubMed 30718709 (cited by Labcorp Genetics (formerly Invitae), Labcorp); PubMed 31047384 (cited by Labcorp Genetics (formerly Invitae), Labcorp); PubMed 32467589 (cited by Labcorp Genetics (formerly Invitae), Labcorp).

NM_032119.4(ADGRV1):c.8785del (p.Thr2930fs)

Gene: ADGRV1 (adhesion G protein-coupled receptor V1; plus strand). Cytogenetic location: 5q14.3.
Variant type: Deletion.
Coding change: c.8785del on transcript NM_032119.4 (MANE Select); coding-DNA position 8785, one base deleted (C; older notation c.8785delC).
Protein change: p.Thr2930fs; shifts the reading frame from threonine 2930.
Molecular consequence: frameshift variant. On other transcripts: non-coding transcript variant (1).
Genome position (GRCh38, 1-based): chr5:90,708,870, C deleted. VCF-style (leftmost placement, unchanged base first): chr5-90708869-AC-A. GRCh37 (hg19) VCF-style: chr5-90004686-AC-A.
Other names: c.8785delC (NM_032119.3); short protein forms T2930fs.
Identifiers: ClinVar variation 1930441 (VCV001930441.8), dbSNP rs758738191, ClinGen allele CA3340352.
Genomic context (GRCh38, chr5:90,708,869, plus strand): 5'-TTTTCAGGATGATGTACCAGAGCTAGAAGAATATTTCCTGGTGAATTTAACTTACGTTGG[AC>A]TTACCATGGCTGCTTCAACTTCATTTCCTCCCAGACTAGGTATGAGGGGTTTCTTGTTTG-3'